The following is an entry in ClinVar:

NM_053054.4(CATSPER1):c.1965C>A (p.Ile655=)

Gene: CATSPER1 (cation channel sperm associated 1; minus strand). Cytogenetic location: 11q13.1.
Variant type: single nucleotide variant.
Coding change: c.1965C>A on transcript NM_053054.4 (MANE Select); coding-DNA position 1965, C replaced by A.
Protein change: p.Ile655=; no amino-acid change (isoleucine 655 retained).
Molecular consequence: synonymous variant.
Genome position (GRCh38, 1-based): chr11:66,020,590, G>T on the plus strand (C>A on the coding strand, the complement: CATSPER1 is on the minus strand). VCF-style: chr11-66020590-G-T. GRCh37 (hg19) VCF-style: chr11-65788061-G-T.
Identifiers: ClinVar variation 2641978 (VCV002641978.24), dbSNP rs770123910, ClinGen allele CA6114481.

ClinVar aggregate classification (germline): Likely benign (1 of 4 stars; one submission).

Allele frequency attached by ClinVar (database versions not stated): TOPMed 0.00001; ExAC 0.00002; gnomAD 0.00003; gnomAD exomes 0.00003.
gnomAD v4.1: 55 of 1,612,318 alleles (0.0034%); highest among the groups gnomAD compares: Admixed American, 0.0084%; no homozygotes.

Submission:

CeGaT Center for Human Genetics Tuebingen
Classification: Likely benign. Last evaluated: 2022-08-01. Review status: criteria provided, single submitter. Criteria: CeGaT Center For Human Genetics Tuebingen Variant Classification Criteria Version 2. Collection method: clinical testing. Allele origin: germline. Affected: yes. Observed: 1 variant allele.
Comment: CATSPER1: BP4, BP7